The following is an entry in ClinVar:

ClinVar aggregate classification (germline): Uncertain significance (1 of 4 stars; one submission).

Submission:

Dasa
Classification: Uncertain significance. Last evaluated: 2026-05-28. Review status: criteria provided, single submitter. Criteria: DASA Assertion Criteria. Collection method: clinical testing. Allele origin: germline.
Comment: NM_001035.3(RYR2):c.4687G>A (p.Val1563Met) is a missense variant that results in the substitution of valine with methionine. This variant is rare in population databases. The currently available literature and clinical evidence are not sufficient to establish a definitive association between this variant and the reported condition. Therefore, this variant is classified as a variant of uncertain significance.

NM_001035.3(RYR2):c.4687G>A (p.Val1563Met)

Gene: RYR2 (ryanodine receptor 2; plus strand). Cytogenetic location: 1q43.
Variant type: single nucleotide variant.
Coding change: c.4687G>A on transcript NM_001035.3 (MANE Select); coding-DNA position 4687, G replaced by A.
Protein change: p.Val1563Met; replaces valine 1563 with methionine.
Molecular consequence: missense variant.
Genome position (GRCh38, 1-based): chr1:237,610,765, G>A. VCF-style: chr1-237610765-G-A. GRCh37 (hg19) VCF-style: chr1-237774065-G-A.
Other names: short protein forms V1563M.
Identifiers: ClinVar variation 5020463 (VCV005020463.1).